The following is an entry in ClinVar:

ClinVar aggregate classification (germline): Likely benign. Review status: criteria provided, multiple submitters, no conflicts (2 of 4 stars). 4 submissions from 4 submitters: Likely benign (4). Last evaluated 2026-02-03.

Conditions:
GMPPB-related disorder. Also called: GMPPB-related disorders; GMPPB-related condition.
Autosomal recessive limb-girdle muscular dystrophy type 2T. Also called: MUSCULAR DYSTROPHY-DYSTROGLYCANOPATHY, LIMB-GIRDLE, GMPPB-RELATED; MUSCULAR DYSTROPHY, LIMB-GIRDLE, TYPE 2T; Muscular dystrophy-dystroglycanopathy (limb-girdle), type c, 14; Limb-girdle muscular dystrophy-dystroglycanopathy, type C14. Identifiers: Orphanet 363623, MedGen C4518000, MONDO:0014142, OMIM 615352.
Muscular dystrophy-dystroglycanopathy (congenital with brain and eye anomalies), type A14. Also called: Muscular dystrophy-dystroglycanopathy (congenital with brain and eye anomalies), type a, 14; WALKER-WARBURG SYNDROME OR MUSCLE-EYE-BRAIN DISEASE, GMPPB-RELATED; Congenital Muscular Dystrophy-Dystroglycanopathy with Brain and Eye Anomalies Type A 14; Congenital muscular dystrophy-dystroglycanopathy with brain and eye anomalies, type A14. Identifiers: Orphanet 588, MedGen C3809216, MONDO:0014140, OMIM 615350.
Muscular dystrophy-dystroglycanopathy (congenital with impaired intellectual development), type B, 14. Also called: MUSCULAR DYSTROPHY, CONGENITAL, GMPPB-RELATED; Muscular dystrophy-dystroglycanopathy (congenital with intellectual disability), type B14; Congenital muscular dystrophy-dystroglycanopathy with mental retardation, type B14. Identifiers: MedGen C3809221, MONDO:0014141, OMIM 615351.

Allele frequency attached by ClinVar (database versions not stated): 1000 Genomes Project 0.00100; ExAC 0.00020; gnomAD 0.00024 and 0.00026; 1000 Genomes Project 30x 0.00141; gnomAD exomes 0.00041; TOPMed 0.00048.

Submissions (4):

Labcorp Genetics (formerly Invitae), Labcorp
Classification: Likely benign for Autosomal recessive limb-girdle muscular dystrophy type 2T; Muscular dystrophy-dystroglycanopathy (congenital with brain and eye anomalies), type A14; Muscular dystrophy-dystroglycanopathy (congenital with impaired intellectual development), type B, 14. Last evaluated: 2026-02-03. Review status: criteria provided, single submitter. Criteria: Invitae Variant Classification Sherloc (09022015). Collection method: clinical testing. Allele origin: germline.

PreventionGenetics, part of Exact Sciences
Classification: Likely benign for GMPPB-related condition. Last evaluated: 2025-01-24. Review status: criteria provided, single submitter. Criteria: ACMG Guidelines, 2015. Collection method: clinical testing. Allele origin: germline.
Comment: This variant is classified as likely benign based on ACMG/AMP sequence variant interpretation guidelines (Richards et al. 2015 PMID: 25741868, with internal and published modifications).

Blueprint Genetics
Classification: Likely benign. Last evaluated: 2024-10-15. Review status: criteria provided, single submitter. Criteria: ACMG Guidelines, 2015. Collection method: clinical testing. Allele origin: germline.

GeneDx
Classification: Likely benign. Last evaluated: 2021-03-30. Review status: criteria provided, single submitter. Criteria: GeneDx Variant Classification Process June 2021. Collection method: clinical testing. Allele origin: germline. Affected: yes.

NM_021971.4(GMPPB):c.562-9C>A

Gene: GMPPB (GDP-mannose pyrophosphorylase B; minus strand). Cytogenetic location: 3p21.31.
Variant type: single nucleotide variant.
Coding change: c.562-9C>A on transcript NM_021971.4 (MANE Select); 9 bases into the intron before coding-DNA position 562, C replaced by A.
Molecular consequence: intron variant.
Genome position (GRCh38, 1-based): chr3:49,722,519, G>T on the plus strand (C>A on the coding strand, the complement: GMPPB is on the minus strand). VCF-style: chr3-49722519-G-T. GRCh37 (hg19) VCF-style: chr3-49759952-G-T.
Other names: c.562-9C>A (NM_013334.4).
Identifiers: ClinVar variation 474019 (VCV000474019.53), dbSNP rs183240200, ClinGen allele CA2405508.